The following is an entry in ClinVar:

ClinVar aggregate classification (germline): Uncertain significance. Review status: criteria provided, multiple submitters, no conflicts (2 of 4 stars). 4 submissions from 4 submitters: Uncertain significance (3). 1 of the submissions does not count toward it. Last evaluated 2025-12-16.

Conditions:
RASA2-related disorder. Also called: RASA2-related condition.

Allele frequency attached by ClinVar (database versions not stated): gnomAD exomes 0.00003; gnomAD 0.00004 and 0.00006; ExAC 0.00006; TOPMed 0.00008; 1000 Genomes Project 30x 0.00016; 1000 Genomes Project 0.00020.
gnomAD v4.1: 22 of 1,466,644 alleles (0.0015%); highest among the groups gnomAD compares: African/African-American, 0.016%; no homozygotes.

Submissions (4):

Ambry Genetics
Classification: Uncertain significance. Last evaluated: 2025-12-16. Review status: criteria provided, single submitter. Criteria: Ambry Variant Classification Scheme 2023. Collection method: clinical testing. Allele origin: germline.

Labcorp Genetics (formerly Invitae), Labcorp
Classification: Uncertain significance. Last evaluated: 2024-11-19. Review status: criteria provided, single submitter. Criteria: Invitae Variant Classification Sherloc (09022015). Collection method: clinical testing. Allele origin: germline.
Comment: This sequence change replaces proline, which is neutral and non-polar, with leucine, which is neutral and non-polar, at codon 24 of the RASA2 protein (p.Pro24Leu). The frequency data for this variant in the population databases is considered unreliable, as metrics indicate poor data quality at this position in the gnomAD database. This variant has not been reported in the literature in individuals affected with RASA2-related conditions. ClinVar contains an entry for this variant (Variation ID: 932208). An algorithm developed to predict the effect of missense changes on protein structure and function outputs the following: PolyPhen-2: "Not Available". The leucine amino acid residue is found in multiple mammalian species, which suggests that this missense change does not adversely affect protein function. In summary, the available evidence is currently insufficient to determine the role of this variant in disease. Therefore, it has been classified as a Variant of Uncertain Significance.

Women's Health and Genetics/Laboratory Corporation of America, LabCorp
Classification: Uncertain significance. Last evaluated: 2020-05-11. Review status: criteria provided, single submitter. Criteria: LabCorp Variant Classification Summary - May 2015. Collection method: clinical testing. Allele origin: germline.
Comment: Variant summary: RASA2 c.71C>T (p.Pro24Leu) results in a non-conservative amino acid change in the encoded protein sequence. Four of five in-silico tools predict a benign effect of the variant on protein function. The variant allele was found at a frequency of 2.7e-05 in 145888 control chromosomes. The available data on variant occurrences in the general population are insufficient to allow any conclusion about variant significance. To our knowledge, no occurrence of c.71C>T in individuals affected with Noonan Syndrome And Related Conditions and no experimental evidence demonstrating its impact on protein function have been reported. No clinical diagnostic laboratories have submitted clinical-significance assessments for this variant to ClinVar after 2014. Based on the evidence outlined above, the variant was classified as uncertain significance.

PreventionGenetics, part of Exact Sciences
Classification: Uncertain significance for RASA2-related condition. Last evaluated: 2024-06-16. Review status: no assertion criteria provided. Collection method: clinical testing. Allele origin: germline. Not counted in ClinVar's aggregate classification.
Comment: The RASA2 c.71C>T variant is predicted to result in the amino acid substitution p.Pro24Leu. To our knowledge, this variant has not been reported in the literature. This variant is reported in 0.032% of alleles in individuals of African descent in gnomAD. At this time, the clinical significance of this variant is uncertain due to the absence of conclusive functional and genetic evidence.

NM_006506.5(RASA2):c.71C>T (p.Pro24Leu)

Genes: RASA2 (RAS p21 protein activator 2; plus strand), LOC129937686 (ATAC-STARR-seq lymphoblastoid silent region 14777; plus strand). Cytogenetic location: 3q23.
Variant type: single nucleotide variant.
Coding change: c.71C>T on transcript NM_006506.5 (MANE Select); coding-DNA position 71, C replaced by T.
Protein change: p.Pro24Leu; replaces proline 24 with leucine.
Molecular consequence: missense variant.
Genome position (GRCh38, 1-based): chr3:141,487,154, C>T. VCF-style: chr3-141487154-C-T. GRCh37 (hg19) VCF-style: chr3-141205996-C-T.
Other names: c.71C>T (NM_006506.2, NM_001303246.1); c.71C>T, p.Pro24Leu (NM_001303245.3, NM_001303246.3); short protein forms P24L.
Identifiers: ClinVar variation 932208 (VCV000932208.9), dbSNP rs536687230, ClinGen allele CA2645084.